The following is an entry in ClinVar:

NM_001277115.2(DNAH11):c.13416_13449dup (p.Lys4484delinsGlnThrAspLeuArgValProCysValTer)

Genes: CDCA7L (cell division cycle associated 7 like; minus strand), DNAH11 (dynein axonemal heavy chain 11; plus strand). Cytogenetic location: 7p15.3.
Variant type: Duplication.
Coding change: c.13416_13449dup on transcript NM_001277115.2 (MANE Select); coding-DNA positions 13416 to 13449, 34 bases duplicated.
Protein change: p.Lys4484delinsGlnThrAspLeuArgValProCysValTer.
Molecular consequence: nonsense. On other transcripts: 3 prime UTR variant (3).
Genome position (GRCh38, 1-based): chr7:21,901,119-21,901,152, 34 bases duplicated; duplicating any 34 consecutive bases within chr7:21,901,118-21,901,152 gives the same sequence; the c. name uses the placement nearest the transcript's 3' end. GRCh37 (hg19): chr7:21,940,737-21,940,770.
Other names: c.*1171_*1204dup (NM_001127370.3, NM_001127371.3, NM_018719.5).
Identifiers: ClinVar variation 2733656 (VCV002733656.3), dbSNP rs2534165019, ClinGen allele CA2681994450.

ClinVar aggregate classification (germline): Pathogenic (1 of 4 stars; one submission).

Conditions:
Primary ciliary dyskinesia. Also called: Ciliary dyskinesia. Identifiers: Orphanet 244, MedGen C0008780, MONDO:0016575, HP:0012265.

Submission:

Labcorp Genetics (formerly Invitae), Labcorp
Classification: Pathogenic for Primary ciliary dyskinesia. Last evaluated: 2025-08-11. Review status: criteria provided, single submitter. Criteria: Invitae Variant Classification Sherloc (09022015). Collection method: clinical testing. Allele origin: germline.
Comment: This sequence change creates a premature translational stop signal (p.Lys4484Glnfs*10) in the DNAH11 gene. While this is not anticipated to result in nonsense mediated decay, it is expected to disrupt the last 33 amino acid(s) of the DNAH11 protein. This variant is not present in population databases (gnomAD no frequency). This variant has not been reported in the literature in individuals affected with DNAH11-related conditions. ClinVar contains an entry for this variant (Variation ID: 2733656). This variant disrupts a region of the DNAH11 protein in which other variant(s) (p.Trp4505Serfs*10) have been determined to be pathogenic (internal data). This suggests that this is a clinically significant region of the protein, and that variants that disrupt it are likely to be disease-causing. For these reasons, this variant has been classified as Pathogenic.